The following is an entry in ClinVar:

ClinVar aggregate classification (germline): Likely pathogenic (1 of 4 stars; one submission).

Conditions:
Hypophosphatasia. Also called: Phosphoethanol-aminuria. Identifiers: Orphanet 436, MedGen C0020630, MeSH D007014, MONDO:0018570.

Submission:

Women's Health and Genetics/Laboratory Corporation of America, LabCorp
Classification: Likely pathogenic for Hypophosphatasia. Last evaluated: 2026-03-17. Review status: criteria provided, single submitter. Criteria: LabCorp Variant Classification Summary - May 2015. Collection method: clinical testing. Allele origin: germline.
Comment: Variant summary: ALPL c.875_876delinsTG (p.Pro292Leu) results in a non-conservative amino acid change in the encoded protein sequence. Algorithms developed to predict the effect of missense changes on protein structure and function are either unavailable or do not agree on the potential impact of this missense change. The variant was absent in 1613922 control chromosomes. The available data on variant occurrences in the general population are insufficient to allow any conclusion about variant significance. A variant resulting in the same protein change, c.875C>T, has been observed in individual(s) affected with Hypophosphatasia, Autosomal Dominant (Sanabria-delaTorre_2022). Different variants affecting the same codon have been classified as likely pathogenic by our lab (c.874C>A/p.Pro292Thr and c.874C>T/p.Pro292Ser), supporting the critical relevance of codon 292 to ALPL protein function. At least one publication reports experimental evidence evaluating an impact on protein function. The most pronounced variant effect results in <15% of normal activity (Farman_2024). The following publications have been ascertained in the context of this evaluation (PMID: 35498405, 37898381). No submitters have cited clinical-significance assessments for this variant to ClinVar. Based on the evidence outlined above, the variant was classified as likely pathogenic.

Literature cited by the submitters: PubMed 37898381; PubMed 35498405.

NM_000478.6(ALPL):c.875_876inv (p.Pro292Leu)

Gene: ALPL (alkaline phosphatase, biomineralization associated; plus strand). Cytogenetic location: 1p36.12.
Variant type: Inversion.
Coding change: c.875_876inv on transcript NM_000478.6 (MANE Select).
Protein change: p.Pro292Leu; replaces proline 292 with leucine.
Molecular consequence: missense variant.
Genome position: GRCh38 VCF-style: chr1-21573677-CA-TG. GRCh37 (hg19) VCF-style: chr1-21900170-CA-TG.
Other names: c.710_711inv, p.Pro237Leu (NM_001127501.4); c.875_876delinsTG (NM_000478.6); c.644_645inv, p.Pro215Leu (NM_001177520.3); c.875_876inv, p.Pro292Leu (NM_001369803.2, NM_001369804.2, NM_001369805.2); short protein forms P215L, P237L, P292L.
Identifiers: ClinVar variation 4847159 (VCV004847159.1).